The following is an entry in ClinVar:

NM_001142800.2(EYS):c.6424+2T>C

Gene: EYS (EGF-like photoreceptor maintenance factor; minus strand). Cytogenetic location: 6q12.
Variant type: single nucleotide variant.
Coding change: c.6424+2T>C on transcript NM_001142800.2 (MANE Select); the canonical splice donor site of the intron after coding-DNA position 6424, T replaced by C.
Molecular consequence: splice donor variant.
Genome position (GRCh38, 1-based): chr6:64,230,590, A>G on the plus strand (T>C on the coding strand, the complement: EYS is on the minus strand). VCF-style: chr6-64230590-A-G. GRCh37 (hg19) VCF-style: chr6-64940483-A-G.
Other names: c.6424+2T>C (NM_001292009.2).
Identifiers: ClinVar variation 2700674 (VCV002700674.17), dbSNP rs1236537482, ClinGen allele CA364391127.

ClinVar aggregate classification (germline): Pathogenic/Likely pathogenic. Review status: criteria provided, multiple submitters, no conflicts (2 of 4 stars). 2 submissions from 2 submitters: Pathogenic (1); Likely pathogenic (1). Last evaluated 2024-10-01.

Allele frequency attached by ClinVar (database versions not stated): gnomAD exomes below 0.00001.
gnomAD v4.1: 2 of 1,540,590 alleles (0.00013%); highest among the groups gnomAD compares: Non-Finnish European, 0.00018%; no homozygotes.

Submissions (2):

CeGaT Center for Human Genetics Tuebingen
Classification: Pathogenic. Last evaluated: 2024-10-01. Review status: criteria provided, single submitter. Criteria: CeGaT Center For Human Genetics Tuebingen Variant Classification Criteria Version 2. Collection method: clinical testing. Allele origin: germline. Affected: yes. Observed: 1 variant allele.
Comment: EYS: PVS1, PM2

Labcorp Genetics (formerly Invitae), Labcorp
Classification: Likely pathogenic. Last evaluated: 2023-12-03. Review status: criteria provided, single submitter. Criteria: Invitae Variant Classification Sherloc (09022015). Collection method: clinical testing. Allele origin: germline.
Comment: This sequence change affects a donor splice site in intron 31 of the EYS gene. It is expected to disrupt RNA splicing. Variants that disrupt the donor or acceptor splice site typically lead to a loss of protein function (PMID: 16199547), and loss-of-function variants in EYS are known to be pathogenic (PMID: 18836446, 20333770). The frequency data for this variant in the population databases is considered unreliable, as metrics indicate poor data quality at this position in the gnomAD database. This variant has not been reported in the literature in individuals affected with EYS-related conditions. Algorithms developed to predict the effect of sequence changes on RNA splicing suggest that this variant may disrupt the consensus splice site. In summary, the currently available evidence indicates that the variant is pathogenic, but additional data are needed to prove that conclusively. Therefore, this variant has been classified as Likely Pathogenic.

Literature cited by the submitters: PubMed 16199547 (cited by Labcorp Genetics (formerly Invitae), Labcorp); PubMed 18836446 (cited by Labcorp Genetics (formerly Invitae), Labcorp); PubMed 20333770 (cited by Labcorp Genetics (formerly Invitae), Labcorp).